The following is an entry in ClinVar:

ClinVar aggregate classification (germline): Uncertain significance. Review status: criteria provided, multiple submitters, no conflicts (2 of 4 stars). 3 submissions from 3 submitters: Uncertain significance (2). 1 of the submissions does not count toward it. Last evaluated 2024-01-02.

Conditions:
CEP164-related disorder. Also called: CEP164-related condition.
Nephronophthisis 15 (NPHP15). Identifiers: Orphanet 3156, MedGen C3541853, MONDO:0013917, OMIM 614845.

Allele frequency attached by ClinVar (database versions not stated): gnomAD 0.00003 and 0.00004; TOPMed 0.00005; ESP Exome Variant Server 0.00015.
gnomAD v4.1: 23 of 1,610,254 alleles (0.0014%); highest among the groups gnomAD compares: Non-Finnish European, 0.002%; no homozygotes.

Submissions (3):

Labcorp Genetics (formerly Invitae), Labcorp
Classification: Uncertain significance for Nephronophthisis 15. Last evaluated: 2024-01-02. Review status: criteria provided, single submitter. Criteria: Invitae Variant Classification Sherloc (09022015). Collection method: clinical testing. Allele origin: germline.
Comment: This sequence change replaces proline, which is neutral and non-polar, with alanine, which is neutral and non-polar, at codon 64 of the CEP164 protein (p.Pro64Ala). This variant is present in population databases (rs138449146, gnomAD 0.002%). This variant has not been reported in the literature in individuals affected with CEP164-related conditions. ClinVar contains an entry for this variant (Variation ID: 962655). An algorithm developed to predict the effect of missense changes on protein structure and function (PolyPhen-2) suggests that this variant is likely to be disruptive. In summary, the available evidence is currently insufficient to determine the role of this variant in disease. Therefore, it has been classified as a Variant of Uncertain Significance.

Blueprint Genetics
Classification: Uncertain significance. Last evaluated: 2022-04-21. Review status: criteria provided, single submitter. Criteria: ACMG Guidelines, 2015. Collection method: clinical testing. Allele origin: germline.

PreventionGenetics, part of Exact Sciences
Classification: Uncertain significance for CEP164-related condition. Last evaluated: 2024-09-25. Review status: no assertion criteria provided. Collection method: clinical testing. Allele origin: germline. Not counted in ClinVar's aggregate classification.
Comment: The CEP164 c.190C>G variant is predicted to result in the amino acid substitution p.Pro64Ala. This variant has been reported in the heterozygous state in an individual with macular dystrophy; however, a second plausible causative variant was not identified (patient #27 in Table S1, Tiwari et al. 2016. PubMed ID: 27353947). This variant is reported in 0.0016% of alleles in individuals of European (Non-Finnish) descent in gnomAD. At this time, the clinical significance of this variant is uncertain due to the absence of conclusive functional and genetic evidence.

NM_014956.5(CEP164):c.190C>G (p.Pro64Ala)

Gene: CEP164 (centrosomal protein 164; plus strand). Cytogenetic location: 11q23.3.
Variant type: single nucleotide variant.
Coding change: c.190C>G on transcript NM_014956.5 (MANE Select); coding-DNA position 190, C replaced by G.
Protein change: p.Pro64Ala; replaces proline 64 with alanine.
Molecular consequence: missense variant.
Genome position (GRCh38, 1-based): chr11:117,344,273, C>G. VCF-style: chr11-117344273-C-G. GRCh37 (hg19) VCF-style: chr11-117214989-C-G.
Other names: c.190C>G, p.Pro64Ala (NM_001271933.2); short protein forms P64A.
Identifiers: ClinVar variation 962655 (VCV000962655.10), dbSNP rs138449146, ClinGen allele CA6294343.